The following is an entry in ClinVar:

NM_003791.4(MBTPS1):c.1601G>A (p.Trp534Ter)

Gene: MBTPS1 (membrane bound transcription factor peptidase, site 1; minus strand). Cytogenetic location: 16q23.3.
Variant type: single nucleotide variant.
Coding change: c.1601G>A on transcript NM_003791.4 (MANE Select); coding-DNA position 1601, G replaced by A.
Protein change: p.Trp534Ter; replaces tryptophan 534 with a stop codon.
Molecular consequence: nonsense.
Genome position (GRCh38, 1-based): chr16:84,070,769, C>T on the plus strand (G>A on the coding strand, the complement: MBTPS1 is on the minus strand). VCF-style: chr16-84070769-C-T. GRCh37 (hg19) VCF-style: chr16-84104374-C-T.
Other names: short protein forms W534*.
Identifiers: ClinVar variation 3689439 (VCV003689439.2).

ClinVar aggregate classification (germline): Pathogenic (1 of 4 stars; one submission).

Submission:

Labcorp Genetics (formerly Invitae), Labcorp
Classification: Pathogenic. Last evaluated: 2024-11-06. Review status: criteria provided, single submitter. Criteria: Invitae Variant Classification Sherloc (09022015). Collection method: clinical testing. Allele origin: germline.
Comment: This sequence change creates a premature translational stop signal (p.Trp534*) in the MBTPS1 gene. It is expected to result in an absent or disrupted protein product. Loss-of-function variants in MBTPS1 are known to be pathogenic (PMID: 30046013). This variant is not present in population databases (gnomAD no frequency). This variant has not been reported in the literature in individuals affected with MBTPS1-related conditions. For these reasons, this variant has been classified as Pathogenic.

Literature cited by the submitters: PubMed 30046013.